The following is an entry in ClinVar:

ClinVar aggregate classification (germline): Likely pathogenic (1 of 4 stars; one submission).

Conditions:
Intellectual developmental disorder, autosomal dominant 50, with behavioral abnormalities. Also called: MENTAL RETARDATION, AUTOSOMAL DOMINANT 50; Intellectual disability, autosomal dominant 50. Identifiers: MedGen C4540470, MONDO:0030916, OMIM 617787.

Submission:

Equipe Genetique des Anomalies du Developpement, Université de Bourgogne
Classification: Likely pathogenic for Intellectual developmental disorder, autosomal dominant 50, with behavioral abnormalities. Last evaluated: 2025-06-30. Review status: criteria provided, single submitter. Criteria: ACMG Guidelines, 2015. Collection method: clinical testing. Allele origin: de novo. Affected: yes.
Comment: This is a terminal nonsense, heterozygous variant NM_057175.5:c.2353G>T p.(Glu785Ter) in the gene NAA15. Segregation analysis shows that this variant occurred de novo. It is absent from the database gnomAD (v4.1.0). This variant introduces a premature stop codon, and the resulting transcript is predicted to escape nonsense-mediated decay. Monoallelic pathogenic variants (nonsense and missense) in NAA15 are responsible for neurodevelopmental disorder with intellectual disability with autosomal dominant inheritance and variable expressivity (OMIM #617787) (PMID: 28191889, 29656860). According to current evidence, this variant is considered likely pathogenic (class 4, according to ACMG criteria).

Literature cited by the submitters: PubMed 28191889; PubMed 29656860.

NM_057175.5(NAA15):c.2353G>T (p.Glu785Ter)

Gene: NAA15 (N-alpha-acetyltransferase 15, NatA auxiliary subunit; plus strand). Cytogenetic location: 4q31.1.
Variant type: single nucleotide variant.
Coding change: c.2353G>T on transcript NM_057175.5 (MANE Select); coding-DNA position 2353, G replaced by T.
Protein change: p.Glu785Ter; replaces glutamic acid 785 with a stop codon.
Molecular consequence: nonsense.
Genome position (GRCh38, 1-based): chr4:139,386,183, G>T. VCF-style: chr4-139386183-G-T. GRCh37 (hg19) VCF-style: chr4-140307337-G-T.
Other names: c.2350G>T, p.Glu784Ter (NM_001410842.1); short protein forms E784*, E785*.
Identifiers: ClinVar variation 4528357 (VCV004528357.1).